The following is an entry in ClinVar:

ClinVar aggregate classification (germline): Pathogenic (0 of 4 stars; one submission).

Submission:

GenMed Metabolism Lab
Classification: Pathogenic. Review status: no assertion criteria provided. Collection method: not provided. Allele origin: unknown.
ClinVar note: Converted during submission from pathogenic to Pathogenic.

NM_000531.6(OTC):c.200T>G (p.Ile67Arg)

Gene: OTC (ornithine transcarbamylase; plus strand). Cytogenetic location: Xp11.4.
Variant type: single nucleotide variant.
Coding change: c.200T>G on transcript NM_000531.6 (MANE Select); coding-DNA position 200, T replaced by G.
Protein change: p.Ile67Arg; replaces isoleucine 67 with arginine.
Molecular consequence: missense variant.
Genome position (GRCh38, 1-based): chrX:38,367,413, T>G. VCF-style: chrX-38367413-T-G. GRCh37 (hg19) VCF-style: chrX-38226666-T-G.
Other names: short protein forms I67R.
Identifiers: ClinVar variation 97132 (VCV000097132.2), dbSNP rs72554325, ClinGen allele CA224498.